The following is an entry in ClinVar:

ClinVar aggregate classification (germline): Uncertain significance (1 of 4 stars; one submission).

gnomAD v4.1: 2 of 1,210,887 alleles (0.00017%); highest among the groups gnomAD compares: African/African-American, 0.0035%; no homozygotes.

Submission:

GeneDx
Classification: Uncertain significance. Last evaluated: 2024-04-08. Review status: criteria provided, single submitter. Criteria: GeneDx Variant Classification Process June 2021. Collection method: clinical testing. Allele origin: germline. Affected: yes.
Comment: Not observed at significant frequency in large population cohorts (gnomAD); In silico analysis indicates that this missense variant does not alter protein structure/function; Has not been previously published as pathogenic or benign to our knowledge

NM_030624.3(KLHL15):c.121C>G (p.Gln41Glu)

Gene: KLHL15 (kelch like family member 15; minus strand). Cytogenetic location: Xp22.11.
Variant type: single nucleotide variant.
Coding change: c.121C>G on transcript NM_030624.3 (MANE Select); coding-DNA position 121, C replaced by G.
Protein change: p.Gln41Glu; replaces glutamine 41 with glutamic acid.
Molecular consequence: missense variant.
Genome position (GRCh38, 1-based): chrX:24,006,573, G>C on the plus strand (C>G on the coding strand, the complement: KLHL15 is on the minus strand). VCF-style: chrX-24006573-G-C. GRCh37 (hg19) VCF-style: chrX-24024690-G-C.
Other names: short protein forms Q41E.
Identifiers: ClinVar variation 3372005 (VCV003372005.1).